The following is an entry in ClinVar:

ClinVar aggregate classification (germline): Pathogenic (1 of 4 stars; one submission).

Submission:

Labcorp Genetics (formerly Invitae), Labcorp
Classification: Pathogenic. Last evaluated: 2023-07-29. Review status: criteria provided, single submitter. Criteria: Invitae Variant Classification Sherloc (09022015). Collection method: clinical testing. Allele origin: germline.
Comment: For these reasons, this variant has been classified as Pathogenic. This variant has not been reported in the literature in individuals affected with ABCA4-related conditions. This variant is not present in population databases (gnomAD no frequency). This sequence change creates a premature translational stop signal (p.Glu1942*) in the ABCA4 gene. It is expected to result in an absent or disrupted protein product. Loss-of-function variants in ABCA4 are known to be pathogenic (PMID: 10958761, 24938718, 25312043, 26780318).

Literature cited by the submitters: PubMed 10958761; PubMed 24938718; PubMed 25312043; PubMed 26780318.

NM_000350.3(ABCA4):c.5824G>T (p.Glu1942Ter)

Gene: ABCA4 (ATP binding cassette subfamily A member 4; minus strand). Cytogenetic location: 1p22.1.
Variant type: single nucleotide variant.
Coding change: c.5824G>T on transcript NM_000350.3 (MANE Select); coding-DNA position 5824, G replaced by T.
Protein change: p.Glu1942Ter; replaces glutamic acid 1942 with a stop codon.
Molecular consequence: nonsense.
Genome position (GRCh38, 1-based): chr1:94,008,762, C>A on the plus strand (G>T on the coding strand, the complement: ABCA4 is on the minus strand). VCF-style: chr1-94008762-C-A. GRCh37 (hg19) VCF-style: chr1-94474318-C-A.
Other names: c.5602G>T, p.Glu1868Ter (NM_001425324.1); short protein forms E1868*, E1942*.
Identifiers: ClinVar variation 2748233 (VCV002748233.3), dbSNP rs760353830, ClinGen allele CA341280135.
Genomic context (GRCh38, chr1:94,008,762, plus strand): 5'-CCAACTGTGGATCTAACCAGCACCTCCAAACTCATACCCATTCCCTTACCTTGGTTAGTT[C>A]ATGTAGCCTTAAGATGTCAGTTTTATTTCCACCAGTAATAATTCTTTGTCTTTCTTCAGC-3'